The following is an entry in ClinVar:

ClinVar aggregate classification (germline): Uncertain significance. Review status: criteria provided, multiple submitters, no conflicts (2 of 4 stars). 2 submissions from 2 submitters: Uncertain significance (2). Last evaluated 2024-01-25.

Conditions:
Inborn genetic diseases. Identifiers: MedGen C0950123, MeSH D030342.
Mosaic variegated aneuploidy syndrome 1 (MVA1). Also called: Warburton-Anyane-Yeboa syndrome. Identifiers: Orphanet 1052, MedGen C1850343, MONDO:0009759, OMIM 257300.

Submissions (2):

Labcorp Genetics (formerly Invitae), Labcorp
Classification: Uncertain significance for Mosaic variegated aneuploidy syndrome 1. Last evaluated: 2024-01-25. Review status: criteria provided, single submitter. Criteria: Invitae Variant Classification Sherloc (09022015). Collection method: clinical testing. Allele origin: germline.
Comment: This sequence change replaces glycine, which is neutral and non-polar, with valine, which is neutral and non-polar, at codon 311 of the BUB1B protein (p.Gly311Val). This variant is not present in population databases (gnomAD no frequency). This variant has not been reported in the literature in individuals affected with BUB1B-related conditions. ClinVar contains an entry for this variant (Variation ID: 2585919). An algorithm developed to predict the effect of missense changes on protein structure and function (PolyPhen-2) suggests that this variant is likely to be disruptive. In summary, the available evidence is currently insufficient to determine the role of this variant in disease. Therefore, it has been classified as a Variant of Uncertain Significance.

Ambry Genetics
Classification: Uncertain significance for Inborn genetic diseases. Last evaluated: 2023-07-26. Review status: criteria provided, single submitter. Criteria: Ambry Variant Classification Scheme 2023. Collection method: clinical testing. Allele origin: germline.
Comment: The p.G311V variant (also known as c.932G>T), located in coding exon 7 of the BUB1B gene, results from a G to T substitution at nucleotide position 932. The glycine at codon 311 is replaced by valine, an amino acid with dissimilar properties. This amino acid position is conserved. In addition, the in silico prediction for this alteration is inconclusive. Since supporting evidence is limited at this time, the clinical significance of this alteration remains unclear.

NM_001211.6(BUB1B):c.932G>T (p.Gly311Val)

Gene: BUB1B (BUB1 mitotic checkpoint serine/threonine kinase B; plus strand). Cytogenetic location: 15q15.1.
Variant type: single nucleotide variant.
Coding change: c.932G>T on transcript NM_001211.6 (MANE Select); coding-DNA position 932, G replaced by T.
Protein change: p.Gly311Val; replaces glycine 311 with valine.
Molecular consequence: missense variant.
Genome position (GRCh38, 1-based): chr15:40,185,345, G>T. VCF-style: chr15-40185345-G-T. GRCh37 (hg19) VCF-style: chr15-40477546-G-T.
Other names: short protein forms G311V.
Identifiers: ClinVar variation 2585919 (VCV002585919.5), dbSNP rs2542535741, ClinGen allele CA391684746.